The following is an entry in ClinVar:

ClinVar aggregate classification (germline): Likely benign. Review status: criteria provided, multiple submitters, no conflicts (2 of 4 stars). 2 submissions from 2 submitters: Likely benign (2). Last evaluated 2025-01-01.

Allele frequency attached by ClinVar (database versions not stated): ExAC 0.00001; TOPMed 0.00002.
gnomAD v4.1: 8 of 1,614,052 alleles (0.0005%); highest among the groups gnomAD compares: African/African-American, 0.011%; no homozygotes.

Submissions (2):

CeGaT Center for Human Genetics Tuebingen
Classification: Likely benign. Last evaluated: 2025-01-01. Review status: criteria provided, single submitter. Criteria: CeGaT Center For Human Genetics Tuebingen Variant Classification Criteria Version 2. Collection method: clinical testing. Allele origin: germline. Affected: yes. Observed: 1 variant allele.
Comment: ABCC8: BP4, BP7

Labcorp Genetics (formerly Invitae), Labcorp
Classification: Likely benign. Last evaluated: 2024-07-19. Review status: criteria provided, single submitter. Criteria: Invitae Variant Classification Sherloc (09022015). Collection method: clinical testing. Allele origin: germline.

NM_000352.6(ABCC8):c.2835G>A (p.Glu945=)

Gene: ABCC8 (ATP binding cassette subfamily C member 8; minus strand). Cytogenetic location: 11p15.1.
Variant type: single nucleotide variant.
Coding change: c.2835G>A on transcript NM_000352.6 (MANE Select); coding-DNA position 2835, G replaced by A.
Protein change: p.Glu945=; no amino-acid change (glutamic acid 945 retained).
Molecular consequence: synonymous variant. On other transcripts: non-coding transcript variant (1).
Genome position (GRCh38, 1-based): chr11:17,407,439, C>T on the plus strand (G>A on the coding strand, the complement: ABCC8 is on the minus strand). VCF-style: chr11-17407439-C-T. GRCh37 (hg19) VCF-style: chr11-17428986-C-T.
Other names: c.2838G>A, p.Glu946= (NM_001287174.3); c.2901G>A, p.Glu967= (NM_001351295.2); c.2835G>A, p.Glu945= (NM_001351296.2); c.2832G>A, p.Glu944= (NM_001351297.2).
Identifiers: ClinVar variation 1085237 (VCV001085237.22), dbSNP rs754757951, ClinGen allele CA5903002.